The following is an entry in ClinVar:

NM_012448.4(STAT5B):c.240_241del (p.Leu82fs)

Gene: STAT5B (signal transducer and activator of transcription 5B; minus strand). Cytogenetic location: 17q21.2.
Variant type: Deletion.
Coding change: c.240_241del on transcript NM_012448.4 (MANE Select); coding-DNA positions 240 to 241, 2 bases deleted (GT; older notation c.240_241delGT).
Protein change: p.Leu82fs; shifts the reading frame from leucine 82.
Molecular consequence: frameshift variant.
Genome position (GRCh38, 1-based): chr17:42,227,573-42,227,574, AC deleted on the plus strand (GT on the coding strand, the reverse complement: STAT5B is on the minus strand). VCF-style (leftmost placement, unchanged base first): chr17-42227572-AAC-A. GRCh37 (hg19) VCF-style: chr17-40379590-AAC-A.
Other names: short protein forms L82fs.
Identifiers: ClinVar variation 4718768 (VCV004718768.1).

ClinVar aggregate classification (germline): Pathogenic (1 of 4 stars; one submission).

Conditions:
Growth hormone insensitivity with immune dysregulation 1, autosomal recessive. Also called: GROWTH HORMONE INSENSITIVITY DUE TO POSTRECEPTOR DEFECT; LARON SYNDROME DUE TO POSTRECEPTOR DEFECT; GROWTH HORMONE INSENSITIVITY SYNDROME WITH IMMUNE DYSREGULATION 1, AUTOSOMAL RECESSIVE; Laron syndrome with immunodeficiency. Identifiers: Orphanet 220465, MedGen C5435698, MONDO:0100211, OMIM 245590.

Submission:

Labcorp Genetics (formerly Invitae), Labcorp
Classification: Pathogenic for Growth hormone insensitivity with immune dysregulation 1, autosomal recessive. Last evaluated: 2025-05-15. Review status: criteria provided, single submitter. Criteria: Invitae Variant Classification Sherloc (09022015). Collection method: clinical testing. Allele origin: germline.
Comment: This sequence change creates a premature translational stop signal (p.Leu82Thrfs*17) in the STAT5B gene. It is expected to result in an absent or disrupted protein product. Loss-of-function variants in STAT5B are known to be pathogenic (PMID: 15827093). This variant is not present in population databases (gnomAD no frequency). This variant has not been reported in the literature in individuals affected with STAT5B-related conditions. For these reasons, this variant has been classified as Pathogenic.

Literature cited by the submitters: PubMed 15827093.